The following is an entry in ClinVar:

ClinVar aggregate classification (germline): Uncertain significance (1 of 4 stars; one submission).

Conditions:
Cryopyrin associated periodic syndrome (CAPS). Identifiers: Orphanet 208650, MedGen C2316212, MONDO:0016168.

Submission:

Labcorp Genetics (formerly Invitae), Labcorp
Classification: Uncertain significance for Cryopyrin associated periodic syndrome. Last evaluated: 2024-05-28. Review status: criteria provided, single submitter. Criteria: Invitae Variant Classification Sherloc (09022015). Collection method: clinical testing. Allele origin: germline.
Comment: This sequence change replaces lysine, which is basic and polar, with asparagine, which is neutral and polar, at codon 430 of the NLRP3 protein (p.Lys430Asn). This variant is not present in population databases (gnomAD no frequency). This variant has not been reported in the literature in individuals affected with NLRP3-related conditions. Advanced modeling of protein sequence and biophysical properties (such as structural, functional, and spatial information, amino acid conservation, physicochemical variation, residue mobility, and thermodynamic stability) has been performed at Invitae for this missense variant, however the output from this modeling did not meet the statistical confidence thresholds required to predict the impact of this variant on NLRP3 protein function. In summary, the available evidence is currently insufficient to determine the role of this variant in disease. Therefore, it has been classified as a Variant of Uncertain Significance.

NM_001243133.2(NLRP3):c.1284G>C (p.Lys428Asn)

Gene: NLRP3 (NLR family pyrin domain containing 3; plus strand). Cytogenetic location: 1q44.
Variant type: single nucleotide variant.
Coding change: c.1284G>C on transcript NM_001243133.2 (MANE Select); coding-DNA position 1284, G replaced by C.
Protein change: p.Lys428Asn; replaces lysine 428 with asparagine.
Molecular consequence: missense variant.
Genome position (GRCh38, 1-based): chr1:247,424,733, G>C. VCF-style: chr1-247424733-G-C. GRCh37 (hg19) VCF-style: chr1-247588035-G-C.
Other names: c.1284G>C, p.Lys428Asn (NM_001079821.3, NM_001127461.3, NM_001127462.3 and 1 more transcripts); c.1290G>C, p.Lys430Asn (NM_004895.5); short protein forms K428N, K430N.
Identifiers: ClinVar variation 3633875 (VCV003633875.2).
Genomic context (GRCh38, chr1:247,424,733, plus strand): 5'-CATCCCCCTGGTCTGCTGGATCGTGTGCACTGGACTGAAACAGCAGATGGAGAGTGGCAA[G>C]AGCCTTGCCCAGACATCCAAGACCACCACCGCGGTGTACGTCTTCTTCCTTTCCAGTTTG-3'
Protein context (NP_001230062.1, residues 418-438): TGLKQQMESG[Lys428Asn]SLAQTSKTTT